The following is an entry in ClinVar:

NM_022124.6(CDH23):c.7922A>G (p.Asp2641Gly)

Genes: CDH23 (cadherin related 23; plus strand), LOC111982869 (Sharpr-MPRA regulatory region 2121; plus strand). Cytogenetic location: 10q22.1.
Variant type: single nucleotide variant.
Coding change: c.7922A>G on transcript NM_022124.6 (MANE Select); coding-DNA position 7922, A replaced by G.
Protein change: p.Asp2641Gly; replaces aspartic acid 2641 with glycine.
Molecular consequence: missense variant.
Genome position (GRCh38, 1-based): chr10:71,805,855, A>G. VCF-style: chr10-71805855-A-G. GRCh37 (hg19) VCF-style: chr10-73565612-A-G.
Other names: c.1202A>G, p.Asp401Gly (NM_001171933.1, NM_001171934.1); short protein forms D2641G, D401G.
Identifiers: ClinVar variation 3601604 (VCV003601604.1).

ClinVar aggregate classification (germline): Likely pathogenic (1 of 4 stars; one submission).

Conditions:
Autosomal recessive nonsyndromic hearing loss 12. Also called: DEAFNESS, AUTOSOMAL RECESSIVE 12. Identifiers: Orphanet 90636, MedGen C1832394, MONDO:0011067, OMIM 601386.

Submission:

Institute of Rare Diseases, West China Hospital, Sichuan University
Classification: Likely pathogenic for Autosomal recessive nonsyndromic hearing loss 12. Last evaluated: 2025-01-09. Review status: criteria provided, single submitter. Criteria: ClinGen HL ACMG Specifications v1. Collection method: research. Allele origin: germline. Affected: yes.
Comment: PM3;PM5;PM2_Supporting;PP3